The following is an entry in ClinVar:

ClinVar aggregate classification (germline): Uncertain significance (1 of 4 stars; one submission).

Submission:

GeneDx
Classification: Uncertain significance. Last evaluated: 2017-04-06. Review status: criteria provided, single submitter. Criteria: GeneDx Variant Classification (06012015). Collection method: clinical testing. Allele origin: germline. Affected: yes.
Comment: The E373D variant has not been published as a pathogenic variant, nor has it been reported as a benign variant to our knowledge. The variant is not observed in large population cohorts (Lek et al., 2016; 1000 Genomes Consortium et al., 2015; Exome Variant Server). E373D is a conservative amino acid substitution, which is not likely to impact secondary protein structure as these residues share similar properties. However, this substitution occurs at a position that is conserved across species. In silico analysis is inconsistent in its predictions as to whether or not the variant is damaging to the protein structure/function. In summary, based on the currently available information, it is unclear whether this variant is a pathogenic variant or a rare benign variant.

NM_152594.3(SPRED1):c.1119G>T (p.Glu373Asp)

Gene: SPRED1 (sprouty related EVH1 domain containing 1; plus strand). Cytogenetic location: 15q14.
Variant type: single nucleotide variant.
Coding change: c.1119G>T on transcript NM_152594.3 (MANE Select); coding-DNA position 1119, G replaced by T.
Protein change: p.Glu373Asp; replaces glutamic acid 373 with aspartic acid.
Molecular consequence: missense variant.
Genome position (GRCh38, 1-based): chr15:38,351,448, G>T. VCF-style: chr15-38351448-G-T. GRCh37 (hg19) VCF-style: chr15-38643649-G-T.
Other names: short protein forms E373D.
Identifiers: ClinVar variation 426704 (VCV000426704.2), dbSNP rs1085307754, ClinGen allele CA391934204.